The following is an entry in ClinVar:

ClinVar aggregate classification (germline): Uncertain significance. Review status: criteria provided, multiple submitters, no conflicts (2 of 4 stars). 2 submissions from 2 submitters: Uncertain significance (2). Last evaluated 2025-11-20.

Conditions:
Developmental and epileptic encephalopathy, 23 (DEE23). Also called: Epileptic encephalopathy, early infantile, 23. Identifiers: Orphanet 411986, MedGen C4014492, MONDO:0014371, OMIM 615859.
Inborn genetic diseases. Identifiers: MedGen C0950123, MeSH D030342.

Allele frequency attached by ClinVar (database versions not stated): TOPMed below 0.00001; gnomAD exomes 0.00001.
gnomAD v4.1: 8 of 1,613,600 alleles (0.0005%); highest among the groups gnomAD compares: Non-Finnish European, 0.00068%; no homozygotes.

Submissions (2):

Ambry Genetics
Classification: Uncertain significance for Inborn genetic diseases. Last evaluated: 2025-11-20. Review status: criteria provided, single submitter. Criteria: Ambry Variant Classification Scheme 2023. Collection method: clinical testing. Allele origin: germline.

Labcorp Genetics (formerly Invitae), Labcorp
Classification: Uncertain significance for Developmental and epileptic encephalopathy, 23. Last evaluated: 2022-08-15. Review status: criteria provided, single submitter. Criteria: Invitae Variant Classification Sherloc (09022015). Collection method: clinical testing. Allele origin: germline.
Comment: Algorithms developed to predict the effect of missense changes on protein structure and function are either unavailable or do not agree on the potential impact of this missense change (SIFT: "Deleterious"; PolyPhen-2: "Probably Damaging"; Align-GVGD: "Class C0"). This sequence change replaces arginine, which is basic and polar, with isoleucine, which is neutral and non-polar, at codon 1087 of the DOCK7 protein (p.Arg1087Ile). This variant is not present in population databases (gnomAD no frequency). This variant has not been reported in the literature in individuals affected with DOCK7-related conditions. ClinVar contains an entry for this variant (Variation ID: 475136). In summary, the available evidence is currently insufficient to determine the role of this variant in disease. Therefore, it has been classified as a Variant of Uncertain Significance.

NM_001367561.1(DOCK7):c.3260G>T (p.Arg1087Ile)

Gene: DOCK7 (dedicator of cytokinesis 7; minus strand). Cytogenetic location: 1p31.3.
Variant type: single nucleotide variant.
Coding change: c.3260G>T on transcript NM_001367561.1 (MANE Select); coding-DNA position 3260, G replaced by T.
Protein change: p.Arg1087Ile; replaces arginine 1087 with isoleucine.
Molecular consequence: missense variant.
Genome position (GRCh38, 1-based): chr1:62,539,585, C>A on the plus strand (G>T on the coding strand, the complement: DOCK7 is on the minus strand). VCF-style: chr1-62539585-C-A. GRCh37 (hg19) VCF-style: chr1-63005256-C-A.
Other names: c.3260G>T, p.Arg1087Ile (NM_001271999.2, NM_001330614.2); c.3167G>T, p.Arg1056Ile (NM_001272000.2, NM_001272001.2, NM_033407.4); c.3167G>T (NM_033407.2); short protein forms R1056I, R1087I.
Identifiers: ClinVar variation 475136 (VCV000475136.10), dbSNP rs1553165442, ClinGen allele CA340608550.
Genomic context (GRCh38, chr1:62,539,585, plus strand): 5'-TATTCCTAACTATGCATTACCTGTTTATAGCAGGACTTTATAAGGCTAAAAACAAATCCT[C>A]TGTCCATAACAGACAACAGATCATTGAGAAAGAATGCAAGGCTTGTATTGAGTCTCTCAA-3'
Protein context (NP_001354490.1, residues 1077-1097): FLNDLLSVMD[Arg1087Ile]GFVFSLIKSC